The following is an entry in ClinVar:

ClinVar aggregate classification (germline): Likely pathogenic (1 of 4 stars; one submission).

Conditions:
Charcot-Marie-Tooth disease type 2. Also called: Charcot-Marie-Tooth type 2. Identifiers: Orphanet 64746, MedGen C0270914, MONDO:0018993.

Submission:

Labcorp Genetics (formerly Invitae), Labcorp
Classification: Likely pathogenic for Charcot-Marie-Tooth disease type 2. Last evaluated: 2022-03-18. Review status: criteria provided, single submitter. Criteria: Invitae Variant Classification Sherloc (09022015). Collection method: clinical testing. Allele origin: germline.
Comment: A different variant (c.618C>G) giving rise to the same protein effect has been determined to be pathogenic (PMID: 20848652; Invitae). This suggests that this variant is also likely to be causative of disease. This variant is not present in population databases (gnomAD no frequency). This sequence change replaces phenylalanine, which is neutral and non-polar, with leucine, which is neutral and non-polar, at codon 206 of the LMNA protein (p.Phe206Leu). ClinVar contains an entry for this variant (Variation ID: 636395). In summary, the currently available evidence indicates that the variant is pathogenic, but additional data are needed to prove that conclusively. Therefore, this variant has been classified as Likely Pathogenic. Algorithms developed to predict the effect of missense changes on protein structure and function are either unavailable or do not agree on the potential impact of this missense change (SIFT: "Deleterious"; PolyPhen-2: "Possibly Damaging"; Align-GVGD: "Class C15").

Literature cited by the submitters: PubMed 20848652.

NM_170707.4(LMNA):c.618C>A (p.Phe206Leu)

Gene: LMNA (lamin A/C; plus strand). Cytogenetic location: 1q22.
Variant type: single nucleotide variant.
Coding change: c.618C>A on transcript NM_170707.4 (MANE Select); coding-DNA position 618, C replaced by A.
Protein change: p.Phe206Leu; replaces phenylalanine 206 with leucine.
Molecular consequence: missense variant.
Genome position (GRCh38, 1-based): chr1:156,134,507, C>A. VCF-style: chr1-156134507-C-A. GRCh37 (hg19) VCF-style: chr1-156104298-C-A.
Other names: c.282C>A, p.Phe94Leu (NM_001257374.3); c.375C>A, p.Phe125Leu (NM_001282624.2); c.618C>A, p.Phe206Leu (NM_001282625.2, NM_001282626.2, NM_005572.4 and 1 more transcripts); short protein forms F206L, F94L, F125L.
Identifiers: ClinVar variation 636395 (VCV000636395.5), dbSNP rs267607629, ClinGen allele CA342817050.